The following is an entry in ClinVar:

NM_002470.4(MYH3):c.4770C>G (p.Asn1590Lys)

Gene: MYH3 (myosin heavy chain 3; minus strand). Cytogenetic location: 17p13.1.
Variant type: single nucleotide variant.
Coding change: c.4770C>G on transcript NM_002470.4 (MANE Select); coding-DNA position 4770, C replaced by G.
Protein change: p.Asn1590Lys; replaces asparagine 1590 with lysine.
Molecular consequence: missense variant.
Genome position (GRCh38, 1-based): chr17:10,632,662, G>C on the plus strand (C>G on the coding strand, the complement: MYH3 is on the minus strand). VCF-style: chr17-10632662-G-C. GRCh37 (hg19) VCF-style: chr17-10535979-G-C.
Other names: short protein forms N1590K.
Identifiers: ClinVar variation 1913559 (VCV001913559.5), dbSNP rs755609238, ClinGen allele CA8392129.

ClinVar aggregate classification (germline): Uncertain significance (1 of 4 stars; one submission).

Allele frequency attached by ClinVar (database versions not stated): ExAC 0.00001; gnomAD exomes 0.00001.
gnomAD v4.1: 12 of 1,614,148 alleles (0.00074%); highest among the groups gnomAD compares: Non-Finnish European, 0.001%; no homozygotes.

Submission:

Labcorp Genetics (formerly Invitae), Labcorp
Classification: Uncertain significance. Last evaluated: 2022-03-12. Review status: criteria provided, single submitter. Criteria: Invitae Variant Classification Sherloc (09022015). Collection method: clinical testing. Allele origin: germline.
Comment: In summary, the available evidence is currently insufficient to determine the role of this variant in disease. Therefore, it has been classified as a Variant of Uncertain Significance. Algorithms developed to predict the effect of missense changes on protein structure and function are either unavailable or do not agree on the potential impact of this missense change (SIFT: "Deleterious"; PolyPhen-2: "Benign"; Align-GVGD: "Class C65"). This variant has not been reported in the literature in individuals affected with MYH3-related conditions. This variant is present in population databases (rs755609238, gnomAD 0.0009%). This sequence change replaces asparagine, which is neutral and polar, with lysine, which is basic and polar, at codon 1590 of the MYH3 protein (p.Asn1590Lys).